The following is an entry in ClinVar:

ClinVar aggregate classification (germline): Uncertain significance. Review status: criteria provided, multiple submitters, no conflicts (2 of 4 stars). 2 submissions from 2 submitters: Uncertain significance (2). Last evaluated 2024-10-07.

Conditions:
Inborn genetic diseases. Identifiers: MedGen C0950123, MeSH D030342.

Allele frequency attached by ClinVar (database versions not stated): TOPMed 0.00010; gnomAD 0.00011; ESP Exome Variant Server 0.00031.
gnomAD v4.1: 353 of 1,613,886 alleles (0.022%); highest among the groups gnomAD compares: Non-Finnish European, 0.029%; no homozygotes.

Submissions (2):

Labcorp Genetics (formerly Invitae), Labcorp
Classification: Uncertain significance. Last evaluated: 2024-10-07. Review status: criteria provided, single submitter. Criteria: Invitae Variant Classification Sherloc (09022015). Collection method: clinical testing. Allele origin: germline.
Comment: This sequence change replaces aspartic acid, which is acidic and polar, with tyrosine, which is neutral and polar, at codon 208 of the TELO2 protein (p.Asp208Tyr). This variant is present in population databases (rs142753188, gnomAD 0.01%). This variant has not been reported in the literature in individuals affected with TELO2-related conditions. ClinVar contains an entry for this variant (Variation ID: 2072650). Invitae Evidence Modeling of protein sequence and biophysical properties (such as structural, functional, and spatial information, amino acid conservation, physicochemical variation, residue mobility, and thermodynamic stability) has been performed for this missense variant. However, the output from this modeling did not meet the statistical confidence thresholds required to predict the impact of this variant on TELO2 protein function. In summary, the available evidence is currently insufficient to determine the role of this variant in disease. Therefore, it has been classified as a Variant of Uncertain Significance.

Ambry Genetics
Classification: Uncertain significance for Inborn genetic diseases. Last evaluated: 2021-10-18. Review status: criteria provided, single submitter. Criteria: Ambry Variant Classification Scheme 2023. Collection method: clinical testing. Allele origin: germline.

NM_016111.4(TELO2):c.622G>T (p.Asp208Tyr)

Gene: TELO2 (telomere maintenance 2; plus strand). Cytogenetic location: 16p13.3.
Variant type: single nucleotide variant.
Coding change: c.622G>T on transcript NM_016111.4 (MANE Select); coding-DNA position 622, G replaced by T.
Protein change: p.Asp208Tyr; replaces aspartic acid 208 with tyrosine.
Molecular consequence: missense variant.
Genome position (GRCh38, 1-based): chr16:1,497,044, G>T. VCF-style: chr16-1497044-G-T. GRCh37 (hg19) VCF-style: chr16-1547045-G-T.
Other names: c.622G>T, p.Asp208Tyr (NM_001351846.2); short protein forms D208Y.
Identifiers: ClinVar variation 2072650 (VCV002072650.4), dbSNP rs142753188, ClinGen allele CA7811734.
Genomic context (GRCh38, chr16:1,497,044, plus strand): 5'-TCTTTTGTGCCTTCCCGCCGGCTTCCTCATCAGGCCTCCCTTTCTGTCCCAGGTGGCCTG[G>T]ATTCCTCCGTGTCCTTCGTGTCTCAGGTCCTTGGGAAAGCCTGTGTCCACGGGAGGCAGC-3'
Protein context (NP_057195.2, residues 198-218): AVVDSLQGGL[Asp208Tyr]SSVSFVSQVL